The following is an entry in ClinVar:

NM_017988.6(SCYL2):c.2145+4A>G

Gene: SCYL2 (SCY1 like pseudokinase 2; plus strand). Cytogenetic location: 12q23.1.
Variant type: single nucleotide variant.
Coding change: c.2145+4A>G on transcript NM_017988.6 (MANE Select); 4 bases into the intron after coding-DNA position 2145, A replaced by G.
Molecular consequence: intron variant.
Genome position (GRCh38, 1-based): chr12:100,337,510, A>G. VCF-style: chr12-100337510-A-G. GRCh37 (hg19) VCF-style: chr12-100731288-A-G.
Other names: NC_000012.11:g.100731288A>G; c.2157+4A>G (NM_001330253.2, NM_001330254.2); c.1638+4A>G (NM_001330256.2); c.2145+4A>G (NM_001317784.2).
Identifiers: ClinVar variation 3353240 (VCV003353240.2).

ClinVar aggregate classification (germline): Likely benign (0 of 4 stars; one submission).

Conditions:
SCYL2-related disorder. Also called: SCYL2-related condition.

gnomAD v4.1: 1,956 of 1,613,310 alleles (0.12%); highest among the groups gnomAD compares: Middle Eastern, 0.23%; 3 homozygotes.

Submissions (4):

PreventionGenetics, part of Exact Sciences
Classification: Likely benign for SCYL2-related condition. Last evaluated: 2024-03-14. Review status: no assertion criteria provided. Collection method: clinical testing. Allele origin: germline.
Comment: This variant is classified as likely benign based on ACMG/AMP sequence variant interpretation guidelines (Richards et al. 2015 PMID: 25741868, with internal and published modifications).

Dr. Peter K. Rogan Lab, Western University
No classification provided (evidence only). Condition: Clear cell carcinoma of kidney. Review status: no classification provided. Collection method: in vitro. Allele origin: not applicable. Functional consequence: retained intron. Not counted in ClinVar's aggregate classification.

Dr. Peter K. Rogan Lab, Western University
No classification provided (evidence only). Condition: Familial cancer of breast. Review status: no classification provided. Collection method: in vitro. Allele origin: not applicable. Functional consequence: retained intron. Not counted in ClinVar's aggregate classification.

Dr. Peter K. Rogan Lab, Western University
No classification provided (evidence only). Condition: Uveal melanoma. Review status: no classification provided. Collection method: in vitro. Allele origin: not applicable. Functional consequence: retained intron. Not counted in ClinVar's aggregate classification.